The following is an entry in ClinVar:

ClinVar aggregate classification (germline): Uncertain significance. Review status: criteria provided, multiple submitters, no conflicts (2 of 4 stars). 2 submissions from 2 submitters: Uncertain significance (2). Last evaluated 2025-06-19.

Conditions:
Inborn genetic diseases. Identifiers: MedGen C0950123, MeSH D030342.

Submissions (2):

Ambry Genetics
Classification: Uncertain significance for Inborn genetic diseases. Last evaluated: 2025-06-19. Review status: criteria provided, single submitter. Criteria: Ambry Variant Classification Scheme 2023. Collection method: clinical testing. Allele origin: germline.

Labcorp Genetics (formerly Invitae), Labcorp
Classification: Uncertain significance. Last evaluated: 2021-05-04. Review status: criteria provided, single submitter. Criteria: Invitae Variant Classification Sherloc (09022015). Collection method: clinical testing. Allele origin: germline.
Comment: In summary, the available evidence is currently insufficient to determine the role of this variant in disease. Therefore, it has been classified as a Variant of Uncertain Significance. This sequence change replaces leucine with phenylalanine at codon 203 of the NEUROG3 protein (p.Leu203Phe). The leucine residue is moderately conserved and there is a small physicochemical difference between leucine and phenylalanine. This variant is not present in population databases (ExAC no frequency). This variant has not been reported in the literature in individuals with NEUROG3-related conditions. Algorithms developed to predict the effect of missense changes on protein structure and function are either unavailable or do not agree on the potential impact of this missense change (SIFT: "Tolerated"; PolyPhen-2: "Possibly Damaging"; Align-GVGD: "Class C0").

NM_020999.4(NEUROG3):c.609G>C (p.Leu203Phe)

Gene: NEUROG3 (neurogenin 3; minus strand). Cytogenetic location: 10q22.1.
Variant type: single nucleotide variant.
Coding change: c.609G>C on transcript NM_020999.4 (MANE Select); coding-DNA position 609, G replaced by C.
Protein change: p.Leu203Phe; replaces leucine 203 with phenylalanine.
Molecular consequence: missense variant.
Genome position (GRCh38, 1-based): chr10:69,572,435, C>G on the plus strand (G>C on the coding strand, the complement: NEUROG3 is on the minus strand). VCF-style: chr10-69572435-C-G. GRCh37 (hg19) VCF-style: chr10-71332191-C-G.
Other names: c.609G>C (NM_020999.3); short protein forms L203F.
Identifiers: ClinVar variation 1488162 (VCV001488162.8), dbSNP rs2133226539, ClinGen allele CA376921218.